The following is an entry in ClinVar:

ClinVar aggregate classification (germline): Uncertain significance (1 of 4 stars; one submission).

Allele frequency attached by ClinVar (database versions not stated): gnomAD exomes below 0.00001; TOPMed below 0.00001.
gnomAD v4.1: 1 of 1,613,798 alleles (0.000062%); highest among the groups gnomAD compares: African/African-American, 0.0013%; no homozygotes.

Submission:

Labcorp Genetics (formerly Invitae), Labcorp
Classification: Uncertain significance. Last evaluated: 2023-09-14. Review status: criteria provided, single submitter. Criteria: Invitae Variant Classification Sherloc (09022015). Collection method: clinical testing. Allele origin: germline.
Comment: Algorithms developed to predict the effect of sequence changes on RNA splicing suggest that this variant may disrupt the consensus splice site. In summary, the available evidence is currently insufficient to determine the role of this variant in disease. Therefore, it has been classified as a Variant of Uncertain Significance. An algorithm developed to predict the effect of missense changes on protein structure and function (PolyPhen-2) suggests that this variant is likely to be disruptive. This variant has not been reported in the literature in individuals affected with TAOK2-related conditions. This variant is present in population databases (no rsID available, gnomAD 0.007%). This sequence change replaces glutamic acid, which is acidic and polar, with glycine, which is neutral and non-polar, at codon 333 of the TAOK2 protein (p.Glu333Gly).

NM_016151.4(TAOK2):c.998A>G (p.Glu333Gly)

Gene: TAOK2 (TAO kinase 2; plus strand). Cytogenetic location: 16p11.2.
Variant type: single nucleotide variant.
Coding change: c.998A>G on transcript NM_016151.4 (MANE Select); coding-DNA position 998, A replaced by G.
Protein change: p.Glu333Gly; replaces glutamic acid 333 with glycine.
Molecular consequence: missense variant.
Genome position (GRCh38, 1-based): chr16:29,982,900, A>G. VCF-style: chr16-29982900-A-G. GRCh37 (hg19) VCF-style: chr16-29994221-A-G.
Other names: c.998A>G, p.Glu333Gly (NM_001252043.2, NM_004783.4); short protein forms E333G.
Identifiers: ClinVar variation 2784601 (VCV002784601.3), dbSNP rs1232539311, ClinGen allele CA395475847.
Genomic context (GRCh38, chr16:29,982,900, plus strand): 5'-AGAAGATCCTGTTCCAAGAGGCACCCAACGGCCCTGGTGCCGAGGCCCCAGAGGAGGAAG[A>G]GGTGACCCAGCTTGCCCTAACACCCCTCTTTATACCCCATGTGTGCCTGCCCCCTGCAGT-3'
Protein context (NP_057235.2, residues 323-343): GPGAEAPEEE[Glu333Gly]EAEPYMHRAG